The following is an entry in ClinVar:

ClinVar aggregate classification (germline): Uncertain significance (1 of 4 stars; one submission).

Conditions:
CEP290-related disorder. Also called: CEP290-related disorders; CEP290-related condition. Identifiers: MedGen CN239314.

gnomAD v4.1: 5 of 1,598,730 alleles (0.00031%); highest among the groups gnomAD compares: Non-Finnish European, 0.00043%; no homozygotes.

Submission:

PreventionGenetics, part of Exact Sciences
Classification: Uncertain significance for CEP290-related condition. Last evaluated: 2025-05-16. Review status: criteria provided, single submitter. Criteria: ACMG Guidelines, 2015. Collection method: clinical testing. Allele origin: germline.
Comment: The CEP290 c.6311A>T variant is predicted to result in the amino acid substitution p.Lys2104Met. To our knowledge, this variant has not been reported in the literature or in a large population database (gnomAD), indicating this variant is rare. At this time, the clinical significance of this variant is uncertain due to the absence of conclusive functional and genetic evidence.

NM_025114.4(CEP290):c.6311A>T (p.Lys2104Met)

Genes: CEP290 (centrosomal protein 290; minus strand), LOC129390514 (MPRA-validated peak1864 silencer; plus strand). Cytogenetic location: 12q21.32.
Variant type: single nucleotide variant.
Coding change: c.6311A>T on transcript NM_025114.4 (MANE Select); coding-DNA position 6311, A replaced by T.
Protein change: p.Lys2104Met; replaces lysine 2104 with methionine.
Molecular consequence: missense variant.
Genome position (GRCh38, 1-based): chr12:88,062,738, T>A on the plus strand (A>T on the coding strand, the complement: CEP290 is on the minus strand). VCF-style: chr12-88062738-T-A. GRCh37 (hg19) VCF-style: chr12-88456515-T-A.
Other names: short protein forms K2104M.
Identifiers: ClinVar variation 4998857 (VCV004998857.1).